The following is an entry in ClinVar:

NM_005228.5(EGFR):c.172T>C (p.Cys58Arg)

Gene: EGFR (epidermal growth factor receptor; plus strand). Cytogenetic location: 7p11.2.
Variant type: single nucleotide variant.
Coding change: c.172T>C on transcript NM_005228.5 (MANE Select); coding-DNA position 172, T replaced by C.
Protein change: p.Cys58Arg; replaces cysteine 58 with arginine.
Molecular consequence: missense variant. On other transcripts: intron variant (1).
Genome position (GRCh38, 1-based): chr7:55,142,369, T>C. VCF-style: chr7-55142369-T-C. GRCh37 (hg19) VCF-style: chr7-55210062-T-C.
Other names: c.172T>C, p.Cys58Arg (NM_001346897.2, NM_001346898.2, NM_001346899.2 and 3 more transcripts); c.13T>C, p.Cys5Arg (NM_001346900.2); c.89-13461T>C (NM_001346941.2); short protein forms C5R, C58R.
Identifiers: ClinVar variation 1525452 (VCV001525452.8), dbSNP rs2128926299, ClinGen allele CA367574652.

ClinVar aggregate classification (germline): Uncertain significance (1 of 4 stars; one submission).

Conditions:
EGFR-related lung cancer (EGFR). Identifiers: MedGen CN130014.

Submission:

Labcorp Genetics (formerly Invitae), Labcorp
Classification: Uncertain significance for EGFR-related lung cancer. Last evaluated: 2021-04-11. Review status: criteria provided, single submitter. Criteria: Invitae Variant Classification Sherloc (09022015). Collection method: clinical testing. Allele origin: germline.
Comment: This sequence change replaces cysteine with arginine at codon 58 of the EGFR protein (p.Cys58Arg). The cysteine residue is highly conserved and there is a large physicochemical difference between cysteine and arginine. This variant is not present in population databases (ExAC no frequency). This variant has not been reported in the literature in individuals with EGFR-related conditions. Algorithms developed to predict the effect of missense changes on protein structure and function (SIFT, PolyPhen-2, Align-GVGD) all suggest that this variant is likely to be disruptive, but these predictions have not been confirmed by published functional studies and their clinical significance is uncertain. In summary, the available evidence is currently insufficient to determine the role of this variant in disease. Therefore, it has been classified as a Variant of Uncertain Significance.